The following is an entry in ClinVar:

NM_020822.3(KCNT1):c.3139G>A (p.Val1047Ile)

Gene: KCNT1 (potassium sodium-activated channel subfamily T member 1; plus strand). Cytogenetic location: 9q34.3.
Variant type: single nucleotide variant.
Coding change: c.3139G>A on transcript NM_020822.3 (MANE Select); coding-DNA position 3139, G replaced by A.
Protein change: p.Val1047Ile; replaces valine 1047 with isoleucine.
Molecular consequence: missense variant.
Genome position (GRCh38, 1-based): chr9:135,784,872, G>A. VCF-style: chr9-135784872-G-A. GRCh37 (hg19) VCF-style: chr9-138676718-G-A.
Other names: c.3004G>A, p.Val1002Ile (NM_001272003.2); short protein forms V1047I, V1002I.
Identifiers: ClinVar variation 435563 (VCV000435563.15), dbSNP rs760000324, ClinGen allele CA201483797.

ClinVar aggregate classification (germline): Uncertain significance. Review status: criteria provided, multiple submitters, no conflicts (2 of 4 stars). 4 submissions from 3 submitters: Uncertain significance (4). Last evaluated 2024-09-08.

Conditions:
Developmental and epileptic encephalopathy, 14 (DEE14). Also called: Early infantile epileptic encephalopathy 14. Identifiers: Orphanet 293181, MedGen C3554195, MONDO:0013989, OMIM 614959.
Autosomal dominant nocturnal frontal lobe epilepsy 5. Also called: CILIARY DYSKINESIA, PRIMARY, 28, WITH SITUS INVERSUS; Epilepsy, nocturnal frontal lobe, 5; CILIARY DYSKINESIA, PRIMARY, 28, WITHOUT SITUS INVERSUS; KCNT1-Related Epilepsy. Identifiers: Orphanet 98784, MedGen C3554306, MONDO:0014002, OMIM 615005.

Allele frequency attached by ClinVar (database versions not stated): gnomAD exomes below 0.00001 and 0.00001.

Submissions (4):

Labcorp Genetics (formerly Invitae), Labcorp
Classification: Uncertain significance for Autosomal dominant nocturnal frontal lobe epilepsy 5; Developmental and epileptic encephalopathy, 14. Last evaluated: 2024-09-08. Review status: criteria provided, single submitter. Criteria: Invitae Variant Classification Sherloc (09022015). Collection method: clinical testing. Allele origin: germline.
Comment: This sequence change replaces valine, which is neutral and non-polar, with isoleucine, which is neutral and non-polar, at codon 1047 of the KCNT1 protein (p.Val1047Ile). This variant is present in population databases (rs760000324, gnomAD 0.0009%). This variant has not been reported in the literature in individuals affected with KCNT1-related conditions. ClinVar contains an entry for this variant (Variation ID: 435563). Invitae Evidence Modeling of protein sequence and biophysical properties (such as structural, functional, and spatial information, amino acid conservation, physicochemical variation, residue mobility, and thermodynamic stability) indicates that this missense variant is not expected to disrupt KCNT1 protein function with a negative predictive value of 80%. In summary, the available evidence is currently insufficient to determine the role of this variant in disease. Therefore, it has been classified as a Variant of Uncertain Significance.

Genome-Nilou Lab
Classification: Uncertain significance for Developmental and epileptic encephalopathy, 14. Last evaluated: 2022-03-15. Review status: criteria provided, single submitter. Criteria: ACMG Guidelines, 2015. Collection method: clinical testing. Allele origin: germline. Affected: no.

Genome-Nilou Lab
Classification: Uncertain significance for Autosomal dominant nocturnal frontal lobe epilepsy 5. Last evaluated: 2022-03-15. Review status: criteria provided, single submitter. Criteria: ACMG Guidelines, 2015. Collection method: clinical testing. Allele origin: germline. Affected: no.

Genetic Services Laboratory, University of Chicago
Classification: Uncertain significance. Last evaluated: 2015-10-15. Review status: criteria provided, single submitter. Criteria: ACMG Guidelines, 2015. Collection method: clinical testing. Allele origin: germline. Affected: no.